The following is an entry in ClinVar:

ClinVar aggregate classification (germline): Conflicting classifications of pathogenicity. Review status: criteria provided, conflicting classifications (1 of 4 stars). 8 submissions from 8 submitters: Uncertain significance (1); Likely benign (5). 2 of the submissions do not count toward it. Last evaluated 2026-01-28.

Conditions:
Autosomal recessive nonsyndromic hearing loss 77. Identifiers: Orphanet 90636, MedGen C2746083, MONDO:0013119, OMIM 613079.

Allele frequency attached by ClinVar (database versions not stated): gnomAD 0.00006; 1000 Genomes Project 30x 0.00016; 1000 Genomes Project 0.00020; TOPMed 0.00020; gnomAD exomes 0.00027; ExAC 0.00044.
gnomAD v4.1: 217 of 1,550,742 alleles (0.014%); highest among the groups gnomAD compares: Middle Eastern, 0.73%; 2 homozygotes.

Submissions (8):

Labcorp Genetics (formerly Invitae), Labcorp
Classification: Likely benign. Last evaluated: 2026-01-28. Review status: criteria provided, single submitter. Criteria: Invitae Variant Classification Sherloc (09022015). Collection method: clinical testing. Allele origin: germline.

CeGaT Center for Human Genetics Tuebingen
Classification: Likely benign. Last evaluated: 2025-04-01. Review status: criteria provided, single submitter. Criteria: CeGaT Center For Human Genetics Tuebingen Variant Classification Criteria Version 2. Collection method: clinical testing. Allele origin: germline. Affected: yes. Observed: 3 variant alleles.
Comment: LOXHD1: BP4, BP7

Blueprint Genetics
Classification: Likely benign. Last evaluated: 2024-11-28. Review status: criteria provided, single submitter. Criteria: ACMG Guidelines, 2015. Collection method: clinical testing. Allele origin: germline.

Eurofins Ntd Llc (ga)
Classification: Uncertain significance. Last evaluated: 2016-08-16. Review status: criteria provided, single submitter. Criteria: EGL Classification Definitions 2015. Collection method: clinical testing. Allele origin: germline. Observed: 1 variant allele, 1 heterozygote.

Laboratory for Molecular Medicine, Mass General Brigham Personalized Medicine
Classification: Likely benign. Last evaluated: 2016-05-05. Review status: criteria provided, single submitter. Criteria: LMM Criteria. Collection method: clinical testing. Allele origin: germline. Observed: 2 variant alleles.
Comment: p.Leu1312Leu in Exon 26 of LOXHD1: This variant is not expected to have clinical significance because it does not alter an amino acid residue and is not located within the splice consensus sequence. It has been identified in 9/20658 chromos omes by the Exome Aggregation Consortium (ExAC; dbSNP rs533251927).

PreventionGenetics, part of Exact Sciences
Classification: Likely benign. Review status: criteria provided, single submitter. Criteria: ACMG Guidelines, 2015. Collection method: clinical testing. Allele origin: germline.

Natera, Inc.
Classification: Uncertain significance for Autosomal recessive deafness type 77. Last evaluated: 2020-01-24. Review status: no assertion criteria provided. Collection method: clinical testing. Allele origin: germline. Not counted in ClinVar's aggregate classification.

Counsyl
Classification: Likely benign for Autosomal recessive nonsyndromic hearing loss 77. Last evaluated: 2017-08-29. Review status: no assertion criteria provided. Collection method: clinical testing. Allele origin: unknown. Not counted in ClinVar's aggregate classification.

NM_001384474.1(LOXHD1):c.3936C>G (p.Leu1312=)

Gene: LOXHD1 (lipoxygenase homology PLAT domains 1; minus strand). Cytogenetic location: 18q21.1.
Variant type: single nucleotide variant.
Coding change: c.3936C>G on transcript NM_001384474.1 (MANE Select); coding-DNA position 3936, C replaced by G.
Protein change: p.Leu1312=; no amino-acid change (leucine 1312 retained).
Molecular consequence: synonymous variant.
Genome position (GRCh38, 1-based): chr18:46,538,315, G>C on the plus strand (C>G on the coding strand, the complement: LOXHD1 is on the minus strand). VCF-style: chr18-46538315-G-C. GRCh37 (hg19) VCF-style: chr18-44118278-G-C.
Other names: c.603C>G, p.Leu201= (NM_001145472.3); c.315C>G, p.Leu105= (NM_001308013.2); c.3936C>G, p.Leu1312= (NM_144612.7).
Identifiers: ClinVar variation 262519 (VCV000262519.41), dbSNP rs533251927, ClinGen allele CA8952407.